The following is an entry in ClinVar:

NM_032043.3(BRIP1):c.591T>G (p.Ser197=)

Gene: BRIP1 (BRCA1 interacting DNA helicase 1; minus strand). Cytogenetic location: 17q23.2.
Variant type: single nucleotide variant.
Coding change: c.591T>G on transcript NM_032043.3 (MANE Select); coding-DNA position 591, T replaced by G.
Protein change: p.Ser197=; no amino-acid change (serine 197 retained).
Molecular consequence: synonymous variant.
Genome position (GRCh38, 1-based): chr17:61,847,137, A>C on the plus strand (T>G on the coding strand, the complement: BRIP1 is on the minus strand). VCF-style: chr17-61847137-A-C. GRCh37 (hg19) VCF-style: chr17-59924498-A-C.
Identifiers: ClinVar variation 2575119 (VCV002575119.5), dbSNP rs2145742695, ClinGen allele CA501150621.

ClinVar aggregate classification (germline): Benign/Likely benign. Review status: criteria provided, multiple submitters, no conflicts (2 of 4 stars). 2 submissions from 2 submitters: Benign (1); Likely benign (1). Last evaluated 2025-03-04.

Conditions:
Familial cancer of breast. Also called: Hereditary breast cancer; BREAST CANCER, FAMILIAL; hereditary breast carcinoma. Identifiers: Orphanet 227535, MedGen C0346153, MONDO:0016419, OMIM 114480. Disease mechanism: loss of function.

Submissions (2):

Center for Genomic Medicine, Rigshospitalet, Copenhagen University Hospital
Classification: Likely benign. Last evaluated: 2025-03-04. Review status: criteria provided, single submitter. Criteria: ACMG Guidelines, 2015. Collection method: clinical testing. Allele origin: germline.

Myriad Genetics, Inc.
Classification: Benign for Familial cancer of breast. Last evaluated: 2024-08-21. Review status: criteria provided, single submitter. Criteria: Myriad Autosomal Dominant, Autosomal Recessive and X-Linked Classification Criteria (2023). Collection method: clinical testing. Allele origin: unknown.
Comment: This variant is considered benign. This variant is a silent/synonymous amino acid change and it is not expected to impact splicing.